The following is an entry in ClinVar:

ClinVar aggregate classification (germline): Uncertain significance. Review status: criteria provided, multiple submitters, no conflicts (2 of 4 stars). 5 submissions from 5 submitters: Uncertain significance (5). Last evaluated 2025-10-21.

Conditions:
Inborn genetic diseases. Identifiers: MedGen C0950123, MeSH D030342.

Allele frequency attached by ClinVar (database versions not stated): gnomAD 0.00006 and 0.00005; gnomAD exomes 0.00008 and 0.00015; TOPMed 0.00009; ESP Exome Variant Server 0.00008; ExAC 0.00010.
gnomAD v4.1: 123 of 1,614,130 alleles (0.0076%); highest among the groups gnomAD compares: Middle Eastern, 0.082%; no homozygotes.

Submissions (5):

Mayo Clinic Laboratories, Mayo Clinic
Classification: Uncertain significance. Last evaluated: 2025-10-21. Review status: criteria provided, single submitter. Criteria: ACMG Guidelines, 2015. Collection method: clinical testing. Allele origin: germline. Observed: 1 variant allele.
Comment: BP4_moderate

GeneDx
Classification: Uncertain significance. Last evaluated: 2022-12-19. Review status: criteria provided, single submitter. Criteria: GeneDx Variant Classification Process June 2021. Collection method: clinical testing. Allele origin: germline. Affected: yes.
Comment: In silico analysis supports that this missense variant does not alter protein structure/function; Has not been previously published as pathogenic or benign to our knowledge

Labcorp Genetics (formerly Invitae), Labcorp
Classification: Uncertain significance. Last evaluated: 2022-10-17. Review status: criteria provided, single submitter. Criteria: Invitae Variant Classification Sherloc (09022015). Collection method: clinical testing. Allele origin: germline.
Comment: This sequence change replaces histidine, which is basic and polar, with tyrosine, which is neutral and polar, at codon 424 of the SLC30A10 protein (p.His424Tyr). This variant is present in population databases (rs375331656, gnomAD 0.05%). This variant has not been reported in the literature in individuals affected with SLC30A10-related conditions. ClinVar contains an entry for this variant (Variation ID: 1353967). Algorithms developed to predict the effect of missense changes on protein structure and function (SIFT, PolyPhen-2, Align-GVGD) all suggest that this variant is likely to be tolerated. In summary, the available evidence is currently insufficient to determine the role of this variant in disease. Therefore, it has been classified as a Variant of Uncertain Significance.

Ambry Genetics
Classification: Uncertain significance for Inborn genetic diseases. Last evaluated: 2021-10-22. Review status: criteria provided, single submitter. Criteria: Ambry Variant Classification Scheme 2023. Collection method: clinical testing. Allele origin: germline.

Breakthrough Genomics
Classification: Uncertain significance. Review status: criteria provided, single submitter. Criteria: ACMG Guidelines, 2015. Collection method: not provided. Allele origin: germline. Inheritance: Autosomal recessive inheritance. Affected: yes.

NM_018713.3(SLC30A10):c.1270C>T (p.His424Tyr)

Gene: SLC30A10 (solute carrier family 30 member 10; minus strand). Cytogenetic location: 1q41.
Variant type: single nucleotide variant.
Coding change: c.1270C>T on transcript NM_018713.3 (MANE Select); coding-DNA position 1270, C replaced by T.
Protein change: p.His424Tyr; replaces histidine 424 with tyrosine.
Molecular consequence: missense variant. On other transcripts: non-coding transcript variant (2).
Genome position (GRCh38, 1-based): chr1:219,915,637, G>A on the plus strand (C>T on the coding strand, the complement: SLC30A10 is on the minus strand). VCF-style: chr1-219915637-G-A. GRCh37 (hg19) VCF-style: chr1-220088979-G-A.
Other names: p.His424Tyr; c.1081C>T, p.His361Tyr (NM_001376929.1); short protein forms H424Y, H361Y.
Identifiers: ClinVar variation 1353967 (VCV001353967.7), dbSNP rs375331656, ClinGen allele CA1399143.
Genomic context (GRCh38, chr1:219,915,637, plus strand): 5'-CATCACTTCCGTATGTGTCTAGAGAGGGCCCACCATTGTGCTCAGCACAGCCATTGACGT[G>A]AGCCAGAGGCAGTGCCCCGGGGGGACAACACAGCTGCTTAGCACAGCCCTTGGAGATGCA-3'
Protein context (NP_061183.2, residues 414-434): CCPPGALPLA[His424Tyr]VNGCAEHNGG